The following is an entry in ClinVar:

NM_001379286.1(ZNF423):c.895G>A (p.Glu299Lys)

Gene: ZNF423 (zinc finger protein 423; minus strand). Cytogenetic location: 16q12.1.
Variant type: single nucleotide variant.
Coding change: c.895G>A on transcript NM_001379286.1 (MANE Select); coding-DNA position 895, G replaced by A.
Protein change: p.Glu299Lys; replaces glutamic acid 299 with lysine.
Molecular consequence: missense variant.
Genome position (GRCh38, 1-based): chr16:49,638,281, C>T on the plus strand (G>A on the coding strand, the complement: ZNF423 is on the minus strand). VCF-style: chr16-49638281-C-T. GRCh37 (hg19) VCF-style: chr16-49672192-C-T.
Other names: c.691G>A, p.Glu231Lys (NM_001271620.2); c.520G>A, p.Glu174Lys (NM_001330533.2); c.871G>A, p.Glu291Lys (NM_015069.5); short protein forms E231K, E291K, E299K, E174K.
Identifiers: ClinVar variation 2089809 (VCV002089809.4), dbSNP rs771113245, ClinGen allele CA8046796.
Genomic context (GRCh38, chr16:49,638,281, plus strand): 5'-GCAGTGTGTTCTCGTCGACGAAGACCTCAGGGCAGTGAATGCACTGCAGGTCCGCCTTCT[C>T]GGACAGCTGCGGGTGGCGGGTGAGCACGTGCTTCTCCAGCTCCTCCGTCTGGCTGAAGGT-3'
Protein context (NP_001366215.1, residues 289-309): HVLTRHPQLS[Glu299Lys]KADLQCIHCP

ClinVar aggregate classification (germline): Uncertain significance (1 of 4 stars; one submission).

Conditions:
Nephronophthisis 14 (NPHP14). Identifiers: Orphanet 2318, MedGen C3539071, MONDO:0013916, OMIM 614844.

Allele frequency attached by ClinVar (database versions not stated): TOPMed below 0.00001; ExAC 0.00001.
gnomAD v4.1: 7 of 1,613,476 alleles (0.00043%); highest among the groups gnomAD compares: East Asian, 0.0022%; no homozygotes.

Submission:

Labcorp Genetics (formerly Invitae), Labcorp
Classification: Uncertain significance for Nephronophthisis 14. Last evaluated: 2023-11-27. Review status: criteria provided, single submitter. Criteria: Invitae Variant Classification Sherloc (09022015). Collection method: clinical testing. Allele origin: germline.
Comment: This sequence change replaces glutamic acid, which is acidic and polar, with lysine, which is basic and polar, at codon 291 of the ZNF423 protein (p.Glu291Lys). This variant is present in population databases (rs771113245, gnomAD 0.01%). This variant has not been reported in the literature in individuals affected with ZNF423-related conditions. ClinVar contains an entry for this variant (Variation ID: 2089809). Advanced modeling of protein sequence and biophysical properties (such as structural, functional, and spatial information, amino acid conservation, physicochemical variation, residue mobility, and thermodynamic stability) performed at Invitae indicates that this missense variant is not expected to disrupt ZNF423 protein function with a negative predictive value of 80%. In summary, the available evidence is currently insufficient to determine the role of this variant in disease. Therefore, it has been classified as a Variant of Uncertain Significance.